The following is an entry in ClinVar:

NM_001257.5(CDH13):c.116A>G (p.Asn39Ser)

Gene: CDH13 (cadherin 13; plus strand). Cytogenetic location: 16q23.3.
Variant type: single nucleotide variant.
Coding change: c.116A>G on transcript NM_001257.5 (MANE Select); coding-DNA position 116, A replaced by G.
Protein change: p.Asn39Ser; replaces asparagine 39 with serine.
Molecular consequence: missense variant. On other transcripts: 5 prime UTR variant (1).
Genome position (GRCh38, 1-based): chr16:82,858,432, A>G. VCF-style: chr16-82858432-A-G. GRCh37 (hg19) VCF-style: chr16-82892037-A-G.
Other names: c.257A>G, p.Asn86Ser (NM_001220488.2); c.116A>G, p.Asn39Ser (NM_001220489.2, NM_001220491.2, NM_001220492.2); c.-438A>G (NM_001220490.2); short protein forms N86S, N39S.
Identifiers: ClinVar variation 257648 (VCV000257648.6), dbSNP rs72807847, ClinGen allele CA8196156.

ClinVar aggregate classification (germline): Benign. Review status: criteria provided, multiple submitters, no conflicts (2 of 4 stars). 3 submissions from 3 submitters: Benign (3). Last evaluated 2021-06-10.

Allele frequency attached by ClinVar (database versions not stated): gnomAD exomes 0.01357 and 0.02139; ESP Exome Variant Server 0.01492; gnomAD 0.01692 and 0.01885; TOPMed 0.01802; ExAC 0.02267; 1000 Genomes Project 0.04373; 1000 Genomes Project 30x 0.04325.
gnomAD v4.1: 22,885 of 1,613,538 alleles (1.4%); highest among the groups gnomAD compares: South Asian, 7.7%; 532 homozygotes.

Submissions (3):

GeneDx
Classification: Benign. Last evaluated: 2021-06-10. Review status: criteria provided, single submitter. Criteria: GeneDx Variant Classification Process June 2021. Collection method: clinical testing. Allele origin: germline. Affected: yes.
Comment: This variant is associated with the following publications: (PMID: 27238071, 25450229)

Breakthrough Genomics
Classification: Benign. Review status: criteria provided, single submitter. Criteria: ACMG Guidelines, 2015. Collection method: not provided. Allele origin: germline. Inheritance: Unknown mechanism. Affected: yes.

PreventionGenetics, part of Exact Sciences
Classification: Benign. Review status: criteria provided, single submitter. Criteria: ACMG Guidelines, 2015. Collection method: clinical testing. Allele origin: germline.